The following is an entry in ClinVar:

NC_000011.9:g.(?_108093770)_108128343del

Gene: ATM (ATM serine/threonine kinase; plus strand).
Variant type: Deletion.
Identifiers: ClinVar variation 1071958 (VCV001071958.2).

ClinVar aggregate classification (germline): Pathogenic (1 of 4 stars; one submission).

Conditions:
Ataxia-telangiectasia syndrome (AT). Also called: LOUIS-BAR SYNDROME; Ataxia-telangiectasia, complementation group D; AT, COMPLEMENTATION GROUP C; Cerebello-oculocutaneous telangiectasia; Immunodeficiency with ataxia telangiectasia; ATAXIA-TELANGIECTASIA, COMPLEMENTATION GROUP A. Identifiers: Orphanet 100, MedGen C0004135, MONDO:0008840, OMIM 208900.

Submission:

Labcorp Genetics (formerly Invitae), Labcorp
Classification: Pathogenic for Ataxia-telangiectasia syndrome. Last evaluated: 2019-09-27. Review status: criteria provided, single submitter. Criteria: Invitae Variant Classification Sherloc (09022015). Collection method: clinical testing. Allele origin: germline.
Comment: This variant is a gross deletion of the genomic region encompassing exons 1-15 of the ATM gene, which includes the initiator codon. The 5' end of this event is unknown as it extends beyond the assayed region for this gene and therefore may encompass additional genes. The 3' boundary is likely confined to intron 15 of the ATM gene. This is expected to result in an absent or disrupted protein product. This variant has not been reported in the literature in individuals with ATM-related conditions. Loss-of-function variants in ATM are known to be pathogenic (PMID: 23807571, 25614872). For these reasons, this variant has been classified as Pathogenic.

Literature cited by the submitters: PubMed 23807571; PubMed 25614872.